The following is an entry in ClinVar:

NM_021813.4(BACH2):c.1510A>G (p.Ile504Val)

Gene: BACH2 (BACH transcriptional regulator 2; minus strand). Cytogenetic location: 6q15.
Variant type: single nucleotide variant.
Coding change: c.1510A>G on transcript NM_021813.4 (MANE Select); coding-DNA position 1510, A replaced by G.
Protein change: p.Ile504Val; replaces isoleucine 504 with valine.
Molecular consequence: missense variant.
Genome position (GRCh38, 1-based): chr6:89,950,596, T>C on the plus strand (A>G on the coding strand, the complement: BACH2 is on the minus strand). VCF-style: chr6-89950596-T-C. GRCh37 (hg19) VCF-style: chr6-90660315-T-C.
Other names: c.1510A>G, p.Ile504Val (NM_001170794.2); short protein forms I504V.
Identifiers: ClinVar variation 3612475 (VCV003612475.2).
Genomic context (GRCh38, chr6:89,950,596, plus strand): 5'-AGCAGGAGCTGGAAGTCCTGGTCCTGGTCTCCAAGGGGGGTGAGCGAGGGCAGACTTTGA[T>C]TGGTACCGGGCAGCTGGTGTTGGGCCGCATCCTTCCTGGCAAGTGGTCGGCCATCAGCCC-3'
Protein context (NP_068585.1, residues 494-514): MRPNTSCPVP[Ile504Val]KVCPRSPPLE

ClinVar aggregate classification (germline): Uncertain significance (1 of 4 stars; one submission).

gnomAD v4.1: 8 of 1,612,490 alleles (0.0005%); highest among the groups gnomAD compares: Non-Finnish European, 0.00059%; no homozygotes.

Submission:

Labcorp Genetics (formerly Invitae), Labcorp
Classification: Uncertain significance. Last evaluated: 2025-04-07. Review status: criteria provided, single submitter. Criteria: Invitae Variant Classification Sherloc (09022015). Collection method: clinical testing. Allele origin: germline.
Comment: This sequence change replaces isoleucine, which is neutral and non-polar, with valine, which is neutral and non-polar, at codon 504 of the BACH2 protein (p.Ile504Val). This variant is present in population databases (rs757596747, gnomAD 0.002%). This variant has not been reported in the literature in individuals affected with BACH2-related conditions. ClinVar contains an entry for this variant (Variation ID: 3612475). Invitae Evidence Modeling of protein sequence and biophysical properties (such as structural, functional, and spatial information, amino acid conservation, physicochemical variation, residue mobility, and thermodynamic stability) indicates that this missense variant is not expected to disrupt BACH2 protein function with a negative predictive value of 80%. In summary, the available evidence is currently insufficient to determine the role of this variant in disease. Therefore, it has been classified as a Variant of Uncertain Significance.